The following is an entry in ClinVar:

ClinVar aggregate classification (germline): Conflicting classifications of pathogenicity. Review status: criteria provided, conflicting classifications (1 of 4 stars). 9 submissions from 9 submitters: Uncertain significance (1); Benign (1); Likely benign (7). Last evaluated 2026-02-03.

Conditions:
BRIP1-related disorder. Also called: BRIP1-related condition; BRIP1-related disorders. Identifiers: MedGen CN239206.
Hereditary cancer-predisposing syndrome. Also called: Hereditary Cancer Syndrome; Tumor predisposition; Hereditary neoplastic syndrome; Neoplastic Syndromes, Hereditary. Identifiers: Orphanet 140162, MedGen C0027672, MeSH D009386, MONDO:0015356.
Familial cancer of breast. Also called: Hereditary breast cancer; hereditary breast carcinoma; BREAST CANCER, FAMILIAL. Identifiers: Orphanet 227535, MedGen C0346153, MONDO:0016419, OMIM 114480. Disease mechanism: loss of function.
Fanconi anemia complementation group J. Also called: BRIP1-Related Fanconi Anemia. Identifiers: Orphanet 84, MedGen C1836860, MONDO:0012187, OMIM 609054.

Allele frequency attached by ClinVar (database versions not stated): gnomAD exomes 0.00001 and 0.00003; ExAC 0.00002; gnomAD 0.00003; TOPMed 0.00005.
gnomAD v4.1: 18 of 1,613,788 alleles (0.0011%); highest among the groups gnomAD compares: Middle Eastern, 0.016%; no homozygotes.

Submissions (9):

Labcorp Genetics (formerly Invitae), Labcorp
Classification: Likely benign for Familial cancer of breast; Fanconi anemia complementation group J. Last evaluated: 2026-02-03. Review status: criteria provided, single submitter. Criteria: Invitae Variant Classification Sherloc (09022015). Collection method: clinical testing. Allele origin: germline.

PreventionGenetics, part of Exact Sciences
Classification: Likely benign for BRIP1-related condition. Last evaluated: 2026-01-07. Review status: criteria provided, single submitter. Criteria: ACMG Guidelines, 2015. Collection method: clinical testing. Allele origin: germline.
Comment: This variant is classified as likely benign based on ACMG/AMP sequence variant interpretation guidelines (Richards et al. 2015 PMID: 25741868, with internal and published modifications).

Molecular Diagnostics Laboratory, Catalan Institute of Oncology
Classification: Likely benign for Hereditary cancer-predisposing syndrome. Last evaluated: 2024-12-09. Review status: criteria provided, single submitter. Criteria: ACMG Guidelines, 2015. Collection method: clinical testing. Allele origin: germline.
Comment: BP4, BP7 c.672A>G, located in exon 7 of the BRIP1 gene, is predicted to result in no amino acid change, p.(Gly224=)(BP7). This variant is found in 3/35090, with a filter allele frequency of 0.001% at 99% confidence in the gnomAD v2.1.1 database (Latino non-cancer data set). The SpliceAI algorithm predicts no significant impact on splicing (BP4). To our knowledge, neither relevant clinical data nor functional studies have been reported for this variant. This variant has been reported in the ClinVar database (1x benign, 5x likely benign) but is not present in LOVD database. Based on currently available information, the variant c.672A>G is classified as a likely benign variant according to ACMG guidelines.

Quest Diagnostics Nichols Institute San Juan Capistrano
Classification: Uncertain significance. Last evaluated: 2024-10-23. Review status: criteria provided, single submitter. Criteria: Quest Diagnostics criteria. Collection method: clinical testing. Allele origin: unknown.
Comment: The BRIP1 c.672A>G (p.Gly224=) synonymous variant has not been reported in individuals with BRIP1-related conditions in the published literature. The frequency of this variant in the general population, 0.000087 (3/34574 chromosomes (Genome Aggregation Database)), is uninformative in the assessment of its pathogenicity. Analysis of this variant using software algorithms for the prediction of the effect of nucleotide changes on splicing yielded predictions that this variant does not affect BRIP1 mRNA splicing. Based on the available information, we are unable to determine the clinical significance of this variant.

Myriad Genetics, Inc.
Classification: Benign for Familial cancer of breast. Last evaluated: 2024-08-22. Review status: criteria provided, single submitter. Criteria: Myriad Autosomal Dominant, Autosomal Recessive and X-Linked Classification Criteria (2023). Collection method: clinical testing. Allele origin: unknown.
Comment: This variant is considered benign. This variant is a silent/synonymous amino acid change and it is not expected to impact splicing.

GeneDx
Classification: Likely benign. Last evaluated: 2021-05-24. Review status: criteria provided, single submitter. Criteria: GeneDx Variant Classification Process June 2021. Collection method: clinical testing. Allele origin: germline. Affected: yes.
Comment: Not observed at a significant frequency in large population cohorts (Lek et al., 2016)

Women's Health and Genetics/Laboratory Corporation of America, LabCorp
Classification: Likely benign. Last evaluated: 2018-03-23. Review status: criteria provided, single submitter. Criteria: LabCorp Variant Classification Summary - May 2015. Collection method: clinical testing. Allele origin: germline.
Comment: Variant summary: BRIP1 c.672A>G alters a non-conserved nucleotide resulting in a synonymous change. The observed variant frequency within African control individuals in the gnomAD database is approximately 2.08 fold above the estimated maximal expected allele frequency for a pathogenic variant in BRIP1 causing Hereditary Breast and Ovarian Cancer phenotype (6.3e-05), strongly suggesting that the variant is a benign polymorphism found primarily in populations of African origin. To our knowledge, no occurrence of c.672A>G in individuals affected with Hereditary Breast and Ovarian Cancer and no experimental evidence demonstrating its impact on protein function have been reported. Three clinical diagnostic laboratories have submitted clinical-significance assessments for this variant to ClinVar after 2014 without evidence for independent evaluation. All laboratories classified the variant as likely benign. Based on the evidence outlined above, the variant was classified as likely benign.

Color Diagnostics, LLC DBA Color Health
Classification: Likely benign for Hereditary cancer-predisposing syndrome. Last evaluated: 2017-03-16. Review status: criteria provided, single submitter. Criteria: ACMG Guidelines, 2015. Collection method: clinical testing. Allele origin: germline.

Ambry Genetics
Classification: Likely benign for Hereditary cancer-predisposing syndrome. Last evaluated: 2015-05-01. Review status: criteria provided, single submitter. Criteria: Ambry Variant Classification Scheme 2023. Collection method: clinical testing. Allele origin: germline.

NM_032043.3(BRIP1):c.672A>G (p.Gly224=)

Gene: BRIP1 (BRCA1 interacting DNA helicase 1; minus strand). Cytogenetic location: 17q23.2.
Variant type: single nucleotide variant.
Coding change: c.672A>G on transcript NM_032043.3 (MANE Select); coding-DNA position 672, A replaced by G.
Protein change: p.Gly224=; no amino-acid change (glycine 224 retained).
Molecular consequence: synonymous variant.
Genome position (GRCh38, 1-based): chr17:61,808,713, T>C on the plus strand (A>G on the coding strand, the complement: BRIP1 is on the minus strand). VCF-style: chr17-61808713-T-C. GRCh37 (hg19) VCF-style: chr17-59886074-T-C.
Identifiers: ClinVar variation 414683 (VCV000414683.27), dbSNP rs752356873, ClinGen allele CA8690863.
Genomic context (GRCh38, chr17:61,808,713, plus strand): 5'-GGGTATCTTGGATTTCCCTGTATGATCCTTCTTAATGGTATTCGATGACTCTTGACTGTT[T>C]CCTTGTTTAGTAGAACAACAGCACCTAGAACAGTGGCCAGGGGGCTGTAAGAAAGGAAAG-3'
Protein context (NP_114432.2, residues 214-234): CSRCCCSTKQ[Gly224=]NSQESSNTIK